The following is an entry in ClinVar:

ClinVar aggregate classification (germline): Benign/Likely benign. Review status: criteria provided, multiple submitters, no conflicts (2 of 4 stars). 9 submissions from 9 submitters: Benign (1); Likely benign (8). Last evaluated 2026-01-31.

Conditions:
Hereditary cancer-predisposing syndrome. Also called: Hereditary Cancer Syndrome; Tumor predisposition; Neoplastic Syndromes, Hereditary; Hereditary neoplastic syndrome. Identifiers: Orphanet 140162, MedGen C0027672, MeSH D009386, MONDO:0015356.
Familial cancer of breast. Also called: hereditary breast carcinoma; BREAST CANCER, FAMILIAL; Hereditary breast cancer. Identifiers: Orphanet 227535, MedGen C0346153, MONDO:0016419, OMIM 114480. Disease mechanism: loss of function.
Ataxia-telangiectasia syndrome (AT). Also called: ATAXIA-TELANGIECTASIA, COMPLEMENTATION GROUP A; ATAXIA-TELANGIECTASIA, FRESNO VARIANT; Ataxia-telangiectasia; Ataxia-telangiectasia, complementation group E; Cerebello-oculocutaneous telangiectasia; Immunodeficiency with ataxia telangiectasia. Identifiers: Orphanet 100, MedGen C0004135, MONDO:0008840, OMIM 208900.

Allele frequency attached by ClinVar (database versions not stated): gnomAD 0.00002 and below 0.00001; ExAC 0.00002; gnomAD exomes 0.00001; 1000 Genomes Project 30x 0.00016; 1000 Genomes Project 0.00020.
gnomAD v4.1: 22 of 1,614,126 alleles (0.0014%); highest among the groups gnomAD compares: South Asian, 0.022%; no homozygotes.

Submissions (9):

Labcorp Genetics (formerly Invitae), Labcorp
Classification: Likely benign for Ataxia-telangiectasia syndrome. Last evaluated: 2026-01-31. Review status: criteria provided, single submitter. Criteria: Invitae Variant Classification Sherloc (09022015). Collection method: clinical testing. Allele origin: germline.

Myriad Genetics, Inc.
Classification: Benign for Familial cancer of breast. Last evaluated: 2024-06-07. Review status: criteria provided, single submitter. Criteria: Myriad Autosomal Dominant, Autosomal Recessive and X-Linked Classification Criteria (2023). Collection method: clinical testing. Allele origin: unknown.
Comment: This variant is considered benign. This variant is a silent/synonymous amino acid change and it is not expected to impact splicing.

Department of Pathology and Laboratory Medicine, Sinai Health System
Classification: Likely benign for Familial cancer of breast. Last evaluated: 2022-04-11. Review status: criteria provided, single submitter. Criteria: ACMG Guidelines, 2015. Collection method: clinical testing. Allele origin: germline. Affected: yes.

Sema4
Classification: Likely benign for Hereditary cancer-predisposing syndrome. Last evaluated: 2022-01-05. Review status: criteria provided, single submitter. Criteria: Sema4 Curation Guidelines. Collection method: curation. Allele origin: germline.

Blueprint Genetics
Classification: Likely benign. Last evaluated: 2020-02-21. Review status: criteria provided, single submitter. Criteria: ACMG Guidelines, 2015. Collection method: clinical testing. Allele origin: germline.

Women's Health and Genetics/Laboratory Corporation of America, LabCorp
Classification: Likely benign. Last evaluated: 2019-08-21. Review status: criteria provided, single submitter. Criteria: LabCorp Variant Classification Summary - May 2015. Collection method: clinical testing. Allele origin: germline.

Color Diagnostics, LLC DBA Color Health
Classification: Likely benign for Hereditary cancer-predisposing syndrome. Last evaluated: 2018-10-17. Review status: criteria provided, single submitter. Criteria: ACMG Guidelines, 2015. Collection method: clinical testing. Allele origin: germline.

GeneDx
Classification: Likely benign. Last evaluated: 2017-06-16. Review status: criteria provided, single submitter. Criteria: GeneDx Variant Classification (06012015). Collection method: clinical testing. Allele origin: germline. Affected: yes.
Comment: This variant is considered likely benign or benign based on one or more of the following criteria: it is a conservative change, it occurs at a poorly conserved position in the protein, it is predicted to be benign by multiple in silico algorithms, and/or has population frequency not consistent with disease.

Ambry Genetics
Classification: Likely benign for Hereditary cancer-predisposing syndrome. Last evaluated: 2014-10-15. Review status: criteria provided, single submitter. Criteria: Ambry Variant Classification Scheme 2023. Collection method: clinical testing. Allele origin: germline.

NM_000051.4(ATM):c.6552C>T (p.Ser2184=)

Genes: ATM (ATM serine/threonine kinase; plus strand), C11orf65 (chromosome 11 open reading frame 65; minus strand). Cytogenetic location: 11q22.3.
Variant type: single nucleotide variant.
Coding change: c.6552C>T on transcript NM_000051.4 (MANE Select); coding-DNA position 6552, C replaced by T.
Protein change: p.Ser2184=; no amino-acid change (serine 2184 retained).
Molecular consequence: synonymous variant. On other transcripts: intron variant (2).
Genome position (GRCh38, 1-based): chr11:108,321,400, C>T. VCF-style: chr11-108321400-C-T. GRCh37 (hg19) VCF-style: chr11-108192127-C-T.
Other names: c.641-12329G>A (NM_001330368.2); c.*39-12329G>A (NM_001351110.2); c.6552C>T, p.Ser2184= (NM_001351834.2).
Identifiers: ClinVar variation 186753 (VCV000186753.23), dbSNP rs565124064, ClinGen allele CA195768.